The following is an entry in ClinVar:

ClinVar aggregate classification (germline): Pathogenic (1 of 4 stars; one submission).

Submission:

Labcorp Genetics (formerly Invitae), Labcorp
Classification: Pathogenic. Last evaluated: 2023-07-12. Review status: criteria provided, single submitter. Criteria: Invitae Variant Classification Sherloc (09022015). Collection method: clinical testing. Allele origin: germline.
Comment: For these reasons, this variant has been classified as Pathogenic. This variant has not been reported in the literature in individuals affected with MYO15A-related conditions. This variant is not present in population databases (gnomAD no frequency). This sequence change creates a premature translational stop signal (p.Leu3318Cysfs*5) in the MYO15A gene. It is expected to result in an absent or disrupted protein product. Loss-of-function variants in MYO15A are known to be pathogenic (PMID: 17546645).

Literature cited by the submitters: PubMed 17546645.

NM_016239.4(MYO15A):c.9952del (p.Leu3318fs)

Gene: MYO15A (myosin XVA; plus strand). Cytogenetic location: 17p11.2.
Variant type: Deletion.
Coding change: c.9952del on transcript NM_016239.4 (MANE Select); coding-DNA position 9952, one base deleted (C; older notation c.9952delC).
Protein change: p.Leu3318fs; shifts the reading frame from leucine 3318.
Molecular consequence: frameshift variant.
Genome position (GRCh38, 1-based): chr17:18,167,593, C deleted; the last of 2 consecutive C bases (chr17:18,167,592-18,167,593); deleting either gives the same sequence. VCF-style (leftmost placement, unchanged base first): chr17-18167591-TC-T. GRCh37 (hg19) VCF-style: chr17-18070905-TC-T.
Other names: short protein forms L3318fs.
Identifiers: ClinVar variation 2742790 (VCV002742790.3), dbSNP rs2545327490, ClinGen allele CA2697559492.
Genomic context (GRCh38, chr17:18,167,591, plus strand): 5'-CAGCCAAGTGCCTGCACGCGTGCCTGCCTGGCAGCCCCTCACCCAGGTGCTCCCTGCAGG[TC>T]CTGCCTGACTACCTGAAGGGACTCTTCAGCAGTGTGCCGGCCAGCCGGCCCAGCGAGCAG-3'